The following is an entry in ClinVar:

ClinVar aggregate classification (germline): Uncertain significance (1 of 4 stars; one submission).

Conditions:
Cardiovascular phenotype. Identifiers: MedGen CN230736.

Submission:

Ambry Genetics
Classification: Uncertain significance for Cardiovascular phenotype. Last evaluated: 2025-12-16. Review status: criteria provided, single submitter. Criteria: Ambry Variant Classification Scheme 2023. Collection method: clinical testing. Allele origin: germline.
Comment: The p.M78T variant (also known as c.233T>C), located in coding exon 1 of the KCNJ8 gene, results from a T to C substitution at nucleotide position 233. The methionine at codon 78 is replaced by threonine, an amino acid with similar properties. This amino acid position is conserved. In addition, the in silico prediction for this alteration is inconclusive. Based on the available evidence, the clinical significance of this variant remains unclear.

NM_004982.4(KCNJ8):c.233T>C (p.Met78Thr)

Genes: KCNJ8-AS1 (KCNJ8 antisense RNA 1; plus strand), KCNJ8 (potassium inwardly rectifying channel subfamily J member 8; minus strand). Cytogenetic location: 12p12.1.
Variant type: single nucleotide variant.
Coding change: c.233T>C on transcript NM_004982.4 (MANE Select); coding-DNA position 233, T replaced by C.
Protein change: p.Met78Thr; replaces methionine 78 with threonine.
Molecular consequence: missense variant.
Genome position (GRCh38, 1-based): chr12:21,773,384, A>G on the plus strand (T>C on the coding strand, the complement: KCNJ8 is on the minus strand). VCF-style: chr12-21773384-A-G. GRCh37 (hg19) VCF-style: chr12-21926318-A-G.
Other names: short protein forms M78T.
Identifiers: ClinVar variation 4842930 (VCV004842930.1).
Genomic context (GRCh38, chr12:21,773,384, plus strand): 5'-TGGGCAAAGGCCACCAGCCACCACATGATAGCGAAGAGCAGCCAGCTGCAGAGGAAGGAC[A>G]TGGTAAAGATGACCAGCGTGTGGCGCCATTTCAGGTCCACCAAGGTGGTGAAGATGTCCT-3'
Protein context (NP_004973.1, residues 68-88): KWRHTLVIFT[Met78Thr]SFLCSWLLFA